The following is an entry in ClinVar:

NM_001379081.2(FREM1):c.5956C>T (p.Leu1986=)

Gene: FREM1 (FRAS1 related extracellular matrix 1; minus strand). Cytogenetic location: 9p22.3.
Variant type: single nucleotide variant.
Coding change: c.5956C>T on transcript NM_001379081.2 (MANE Select); coding-DNA position 5956, C replaced by T.
Protein change: p.Leu1986=; no amino-acid change (leucine 1986 retained).
Molecular consequence: synonymous variant. On other transcripts: non-coding transcript variant (3).
Genome position (GRCh38, 1-based): chr9:14,747,317, G>A on the plus strand (C>T on the coding strand, the complement: FREM1 is on the minus strand). VCF-style: chr9-14747317-G-A. GRCh37 (hg19) VCF-style: chr9-14747315-G-A.
Other names: c.1564C>T, p.Leu522= (NM_001177704.3, NM_001370061.2); c.1414C>T, p.Leu472= (NM_001370058.2); c.5956C>T, p.Leu1986= (NM_144966.7).
Identifiers: ClinVar variation 366107 (VCV000366107.31), dbSNP rs375669260, ClinGen allele CA4989605.

ClinVar aggregate classification (germline): Conflicting classifications of pathogenicity. Review status: criteria provided, conflicting classifications (1 of 4 stars). 4 submissions from 4 submitters: Uncertain significance (1); Likely benign (2). 1 of the submissions does not count toward it. Last evaluated 2025-06-07.

Conditions:
FREM1-related disorder. Also called: FREM1-related condition; FREM1-Related Disorders.
Oculotrichoanal syndrome (MOTA). Also called: MARLES SYNDROME; Manitoba Oculotrichoanal (MOTA) Syndrome. Identifiers: Orphanet 2717, MedGen C1855425, MONDO:0009560, OMIM 248450.

Allele frequency attached by ClinVar (database versions not stated): TOPMed 0.00004; gnomAD 0.00011 and 0.00006; gnomAD exomes 0.00016; ExAC 0.00022; 1000 Genomes Project 0.00040; 1000 Genomes Project 30x 0.00047; ESP Exome Variant Server 0.00008.
gnomAD v4.1: 197 of 1,613,708 alleles (0.012%); highest among the groups gnomAD compares: South Asian, 0.063%; no homozygotes.

Submissions (4):

Labcorp Genetics (formerly Invitae), Labcorp
Classification: Likely benign. Last evaluated: 2025-06-07. Review status: criteria provided, single submitter. Criteria: Invitae Variant Classification Sherloc (09022015). Collection method: clinical testing. Allele origin: germline.

CeGaT Center for Human Genetics Tuebingen
Classification: Likely benign. Last evaluated: 2023-09-01. Review status: criteria provided, single submitter. Criteria: CeGaT Center For Human Genetics Tuebingen Variant Classification Criteria Version 2. Collection method: clinical testing. Allele origin: germline. Affected: yes. Observed: 1 variant allele.
Comment: FREM1: BP4, BP7

Illumina Laboratory Services, Illumina
Classification: Uncertain significance for Oculotrichoanal syndrome. Last evaluated: 2018-01-12. Review status: criteria provided, single submitter. Criteria: ICSL Variant Classification Criteria 13 December 2019. Collection method: clinical testing. Allele origin: germline.

PreventionGenetics, part of Exact Sciences
Classification: Likely benign for FREM1-related condition. Last evaluated: 2022-07-05. Review status: no assertion criteria provided. Collection method: clinical testing. Allele origin: germline. Not counted in ClinVar's aggregate classification.
Comment: This variant is classified as likely benign based on ACMG/AMP sequence variant interpretation guidelines (Richards et al. 2015 PMID: 25741868, with internal and published modifications).